The following is an entry in ClinVar:

ClinVar aggregate classification (germline): Uncertain significance (1 of 4 stars; one submission).

Conditions:
Inborn genetic diseases. Identifiers: MedGen C0950123, MeSH D030342.

gnomAD v4.1: 1 of 1,613,544 alleles (0.000062%); highest among the groups gnomAD compares: Non-Finnish European, 0.000085%; no homozygotes.

Submission:

Ambry Genetics
Classification: Uncertain significance for Inborn genetic diseases. Last evaluated: 2026-05-26. Review status: criteria provided, single submitter. Criteria: Ambry Variant Classification Scheme 2023. Collection method: clinical testing. Allele origin: germline.
Comment: The c.596A>C (p.Y199S) alteration is located in exon 5 (coding exon 4) of the LIM2 gene. This alteration results from a A to C substitution at nucleotide position 596, causing the tyrosine (Y) at amino acid position 199 to be replaced by a serine (S). Based on data from gnomAD, the C allele has an overall frequency of <0.001% (1/247210) total alleles studied. The highest observed frequency was 0.001% (1/110630) of European (non-Finnish) alleles. Based on insufficient or conflicting evidence, the clinical significance of this alteration remains unclear.

NM_001161748.2(LIM2):c.470A>C (p.Tyr157Ser)

Gene: LIM2 (lens intrinsic membrane protein 2; minus strand). Cytogenetic location: 19q13.41.
Variant type: single nucleotide variant.
Coding change: c.470A>C on transcript NM_001161748.2 (MANE Select); coding-DNA position 470, A replaced by C.
Protein change: p.Tyr157Ser; replaces tyrosine 157 with serine.
Molecular consequence: missense variant.
Genome position (GRCh38, 1-based): chr19:51,380,253, T>G on the plus strand (A>C on the coding strand, the complement: LIM2 is on the minus strand). VCF-style: chr19-51380253-T-G. GRCh37 (hg19) VCF-style: chr19-51883507-T-G.
Other names: c.596A>C, p.Tyr199Ser (NM_030657.4); short protein forms Y157S, Y199S.
Identifiers: ClinVar variation 4859206 (VCV004859206.1).
Genomic context (GRCh38, chr19:51,380,253, plus strand): 5'-ATTTGGGCTCAGCGGGGTGTAGACAGGCGCCGGCATTCATGCACCCGGTAGGCGCACATG[T>G]AGAAAATCCCTGCATGAGAAGAAGTTCAAATTCACCCCCTCAAACCTCCCCCAGCTCCAT-3'
Protein context (NP_001155220.1, residues 147-167): VLMTFFAGIF[Tyr157Ser]MCAYRVHECR